The following is an entry in ClinVar:

ClinVar aggregate classification (germline): Uncertain significance (1 of 4 stars; one submission).

Conditions:
Cardiomyopathy (CMYO). Also called: Cardiomyopathies. Identifiers: Orphanet 167848, MedGen C0878544, MONDO:0004994, HP:0001638. Inheritance: Various modes of inheritance.

gnomAD v4.1: 7 of 1,614,190 alleles (0.00043%); highest among the groups gnomAD compares: Non-Finnish European, 0.00059%; no homozygotes.

Submission:

Color Diagnostics, LLC DBA Color Health
Classification: Uncertain significance for Cardiomyopathy. Last evaluated: 2024-03-06. Review status: criteria provided, single submitter. Criteria: ACMG Guidelines, 2015. Collection method: clinical testing. Allele origin: germline.
Comment: This missense variant replaces aspartic acid with tyrosine at codon 113 of the TNNI3 protein. Computational prediction suggests that this variant may have deleterious impact on protein structure and function (internally defined REVEL score threshold >= 0.7, PMID: 27666373). To our knowledge, functional studies have not been reported for this variant. This variant has not been reported in individuals affected with cardiovascular disorders in the literature. This variant has not been identified in the general population by the Genome Aggregation Database (gnomAD). The available evidence is insufficient to determine the role of this variant in disease conclusively. Therefore, this variant is classified as a Variant of Uncertain Significance.

NM_000363.5(TNNI3):c.337G>T (p.Asp113Tyr)

Gene: TNNI3 (troponin I3, cardiac type; minus strand). Cytogenetic location: 19q13.42.
Variant type: single nucleotide variant.
Coding change: c.337G>T on transcript NM_000363.5 (MANE Select); coding-DNA position 337, G replaced by T.
Protein change: p.Asp113Tyr; replaces aspartic acid 113 with tyrosine.
Molecular consequence: missense variant.
Genome position (GRCh38, 1-based): chr19:55,154,776, C>A on the plus strand (G>T on the coding strand, the complement: TNNI3 is on the minus strand). VCF-style: chr19-55154776-C-A. GRCh37 (hg19) VCF-style: chr19-55666144-C-A.
Other names: short protein forms D113Y.
Identifiers: ClinVar variation 2774618 (VCV002774618.2), dbSNP rs779064799, ClinGen allele CA407441019.